The following is an entry in ClinVar:

ClinVar aggregate classification (germline): Pathogenic/Likely pathogenic. Review status: criteria provided, multiple submitters, no conflicts (2 of 4 stars). 2 submissions from 2 submitters: Pathogenic (1); Likely pathogenic (1). Last evaluated 2025-08-20.

Conditions:
X-linked Alport syndrome (ATS1). Also called: COL4A5-Related Nephropathy; NEPHROPATHY AND DEAFNESS, X-LINKED. Identifiers: Orphanet 63, Orphanet 88917, MedGen C4746986, MONDO:0010520, OMIM 301050.

Submissions (2):

3billion
Classification: Likely pathogenic for X-linked Alport syndrome. Last evaluated: 2025-08-20. Review status: criteria provided, single submitter. Criteria: ACMG Guidelines, 2015. Collection method: clinical testing. Allele origin: germline. Affected: yes.
Comment: The variant is not observed in the gnomAD v4.1.0 dataset. Predicted Consequence/Location: The variant is located in a mutational hot spot and/or well-established functional domain in which established pathogenic variants have been reported (PMID: 7695699, 8218237, 19344236, -). In silico tool predictions suggest damaging effect of the variant on gene or gene product [REVEL: 0.98 (>=0.6, sensitivity 0.68 and specificity 0.92); 3Cnet: 0.95 (> 0.75, sensitivity 0.96 and precision 0.92)]. The same nucleotide change resulting in the same amino acid change has been previously reported to be associated with COL4A5-related disorder (ClinVar ID: VCV001072946 /3billion dataset).Different missense changes at the same codon (p.Gly621Cys, p.Gly621Ser, p.Gly621Val) have been reported to be associated with COL4A5-related disorder (ClinVar ID: VCV001191044 /PMID: 24033287, 8940267). Therefore, this variant is classified as Likely pathogenic according to the recommendation of ACMG/AMP guideline.

Labcorp Genetics (formerly Invitae), Labcorp
Classification: Pathogenic. Last evaluated: 2021-01-04. Review status: criteria provided, single submitter. Criteria: Invitae Variant Classification Sherloc (09022015). Collection method: clinical testing. Allele origin: germline.
Comment: This variant has been observed in individual(s) with clinical features of Alport syndrome (Invitae). Advanced modeling of protein sequence and biophysical properties (such as structural, functional, and spatial information, amino acid conservation, physicochemical variation, residue mobility, and thermodynamic stability) performed at Invitae indicates that this missense variant is expected to disrupt COL4A5 protein function. This variant disrupts the triple helix domain of COL4A5. Glycine residues within the Gly-Xaa-Yaa repeats of the triple helix domain are required for the structure and stability of fibrillar collagens (PMID: 7695699, 8218237, 19344236). In COL4A5, missense variants at these glycine residues are significantly enriched in individuals with disease (PMID: 23720012, 27627812) compared to the general population (ExAC). This variant disrupts the p.Gly621 amino acid residue in COL4A5. Other variant(s) that disrupt this residue have been observed in individuals with COL4A5-related conditions (PMID: 30577881, 8940267, 24033287), which suggests that this may be a clinically significant amino acid residue. For these reasons, this variant has been classified as Pathogenic. This variant is not present in population databases (ExAC no frequency). This sequence change replaces glycine with aspartic acid at codon 621 of the COL4A5 protein (p.Gly621Asp). The glycine residue is highly conserved and there is a moderate physicochemical difference between glycine and aspartic acid.

Literature cited by the submitters: PubMed 24033287 (cited by 3billion and Labcorp Genetics (formerly Invitae), Labcorp); PubMed 7695699 (cited by Labcorp Genetics (formerly Invitae), Labcorp); PubMed 8218237 (cited by Labcorp Genetics (formerly Invitae), Labcorp); PubMed 19344236 (cited by Labcorp Genetics (formerly Invitae), Labcorp); PubMed 23720012 (cited by Labcorp Genetics (formerly Invitae), Labcorp); PubMed 27627812 (cited by Labcorp Genetics (formerly Invitae), Labcorp); PubMed 30577881 (cited by Labcorp Genetics (formerly Invitae), Labcorp); PubMed 8940267 (cited by Labcorp Genetics (formerly Invitae), Labcorp).

NM_033380.3(COL4A5):c.1862G>A (p.Gly621Asp)

Gene: COL4A5 (collagen type IV alpha 5 chain; plus strand). Cytogenetic location: Xq22.3.
Variant type: single nucleotide variant.
Coding change: c.1862G>A on transcript NM_033380.3 (MANE Select); coding-DNA position 1862, G replaced by A.
Protein change: p.Gly621Asp; replaces glycine 621 with aspartic acid.
Molecular consequence: missense variant.
Genome position (GRCh38, 1-based): chrX:108,598,784, G>A. VCF-style: chrX-108598784-G-A. GRCh37 (hg19) VCF-style: chrX-107842014-G-A.
Other names: c.1862G>A, p.Gly621Asp (NM_000495.5); short protein forms G621D.
Identifiers: ClinVar variation 1072946 (VCV001072946.11), dbSNP rs1569494322, ClinGen allele CA413845765.